The following is an entry in ClinVar:

NM_007294.4(BRCA1):c.1938_1945del (p.Ser646fs)

Gene: BRCA1 (BRCA1 DNA repair associated; minus strand). Cytogenetic location: 17q21.31.
Variant type: Deletion.
Coding change: c.1938_1945del on transcript NM_007294.4 (MANE Select); coding-DNA positions 1938 to 1945, 8 bases deleted (CAGTGAAG; older notation c.1938_1945delCAGTGAAG).
Protein change: p.Ser646fs; shifts the reading frame from serine 646.
Molecular consequence: frameshift variant. On other transcripts: intron variant (137).
Genome position (GRCh38, 1-based): chr17:43,093,586-43,093,593, CTTCACTG deleted on the plus strand (CAGTGAAG on the coding strand, the reverse complement: BRCA1 is on the minus strand); deleting any 8 consecutive bases within chr17:43,093,586-43,093,595 gives the same sequence; the c. name uses the placement nearest the transcript's 3' end. VCF-style (leftmost placement, unchanged base first): chr17-43093585-TCTTCACTG-T. GRCh37 (hg19) VCF-style: chr17-41245602-TCTTCACTG-T.
Other names: 2057del8; c.1725_1732del, p.Ser575fs (NM_001407916.1, NM_001407917.1, NM_001407918.1 and 9 more transcripts); c.1815_1822del, p.Ser605fs (NM_001407919.1, NM_001407937.1, NM_001407938.1 and 19 more transcripts); c.1674_1681del, p.Ser558fs (NM_001407920.1, NM_001407921.1, NM_001407922.1 and 9 more transcripts); c.1671_1678del, p.Ser557fs (NM_001407930.1, NM_001407931.1, NM_001407932.1 and 2 more transcripts); c.1812_1819del, p.Ser604fs (NM_001407940.1, NM_001407941.1, NM_001407649.1 and 11 more transcripts); c.1797_1804del, p.Ser599fs (NM_001407942.1, NM_001407944.1, NM_001407945.1 and 29 more transcripts); c.1794_1801del, p.Ser598fs (NM_001407943.1, NM_001407964.1, NM_001407740.1 and 20 more transcripts); and 42 more; short protein forms S646fs, S599fs, S576fs, S598fs, S605fs, S620fs, S557fs, S558fs.
Identifiers: ClinVar variation 266203 (VCV000266203.7), dbSNP rs886039983, ClinGen allele CA10589906.

ClinVar aggregate classification (germline): Pathogenic. Review status: reviewed by expert panel (3 of 4 stars). 2 submissions from 2 submitters: Pathogenic (1). 1 of the submissions does not count toward it. Last evaluated 2016-10-18.

Conditions:
Breast-ovarian cancer, familial, susceptibility to, 1 (BROVCA1). Also called: BRCA1 Hereditary Breast and Ovarian Cancer; OVARIAN CANCER, SUSCEPTIBILITY TO. Identifiers: Orphanet 145, MedGen C2676676, MONDO:0011450, OMIM 604370. Disease mechanism: loss of function.

Submissions (2):

Evidence-based Network for the Interpretation of Germline Mutant Alleles (ENIGMA)
Classification: Pathogenic for Breast-ovarian cancer, familial, susceptibility to, 1. Last evaluated: 2016-10-18. Review status: reviewed by expert panel. Criteria: ENIGMA BRCA1/2 Classification Criteria (2015). Collection method: curation. Allele origin: germline.
Comment: Variant allele predicted to encode a truncated non-functional protein.

Consortium of Investigators of Modifiers of BRCA1/2 (CIMBA), c/o University of Cambridge
Classification: Pathogenic for Breast-ovarian cancer, familial, susceptibility to, 1. Last evaluated: 2015-10-02. Review status: criteria provided, single submitter. Criteria: CIMBA Mutation Classification guidelines May 2016. Collection method: clinical testing. Allele origin: germline. Not counted in ClinVar's aggregate classification.